The following is an entry in ClinVar:

ClinVar aggregate classification (germline): Uncertain significance (1 of 4 stars; one submission).

Allele frequency attached by ClinVar (database versions not stated): gnomAD exomes 0.00002 and 0.00008; ExAC 0.00007; 1000 Genomes Project 30x 0.00016; ESP Exome Variant Server 0.00016; 1000 Genomes Project 0.00020; gnomAD 0.00031 and 0.00036; TOPMed 0.00034.

Submission:

Labcorp Genetics (formerly Invitae), Labcorp
Classification: Uncertain significance. Last evaluated: 2022-08-31. Review status: criteria provided, single submitter. Criteria: Invitae Variant Classification Sherloc (09022015). Collection method: clinical testing. Allele origin: germline.
Comment: This sequence change replaces glutamine, which is neutral and polar, with arginine, which is basic and polar, at codon 1334 of the MYO5B protein (p.Gln1334Arg). This variant is present in population databases (rs192254917, gnomAD 0.1%). This variant has not been reported in the literature in individuals affected with MYO5B-related conditions. ClinVar contains an entry for this variant (Variation ID: 1440409). Algorithms developed to predict the effect of missense changes on protein structure and function are either unavailable or do not agree on the potential impact of this missense change (SIFT: "Deleterious"; PolyPhen-2: "Possibly Damaging"; Align-GVGD: "Class C0"). In summary, the available evidence is currently insufficient to determine the role of this variant in disease. Therefore, it has been classified as a Variant of Uncertain Significance.

NM_001080467.3(MYO5B):c.4001A>G (p.Gln1334Arg)

Gene: MYO5B (myosin VB; minus strand). Cytogenetic location: 18q21.1.
Variant type: single nucleotide variant.
Coding change: c.4001A>G on transcript NM_001080467.3 (MANE Select); coding-DNA position 4001, A replaced by G.
Protein change: p.Gln1334Arg; replaces glutamine 1334 with arginine.
Molecular consequence: missense variant.
Genome position (GRCh38, 1-based): chr18:49,856,834, T>C on the plus strand (A>G on the coding strand, the complement: MYO5B is on the minus strand). VCF-style: chr18-49856834-T-C. GRCh37 (hg19) VCF-style: chr18-47383204-T-C.
Other names: short protein forms Q1334R.
Identifiers: ClinVar variation 1440409 (VCV001440409.3), dbSNP rs192254917, ClinGen allele CA8960493.
Genomic context (GRCh38, chr18:49,856,834, plus strand): 5'-CGGACAAAGCAGACACAGGAAGAAAGGAATATGTTCCACCTGGCAACTTGCTTTAGGCCT[T>C]GGTAGGCCAAGCCGAGTTCTCCATCTTCATTTAAATATCCCCAATCCTCAGTCTTGCTAG-3'
Protein context (NP_001073936.1, residues 1324-1344): NEDGELGLAY[Gln1334Arg]GLKQVARLLE